The following is an entry in ClinVar:

ClinVar aggregate classification (germline): Uncertain significance (1 of 4 stars; one submission).

Conditions:
CFH-related disorder. Also called: CFH-related condition; CFH-related disorders.

Allele frequency attached by ClinVar (database versions not stated): gnomAD exomes below 0.00001.
gnomAD v4.1: 1 of 1,614,036 alleles (0.000062%); highest among the groups gnomAD compares: Non-Finnish European, 0.000085%; no homozygotes.

Submission:

PreventionGenetics, part of Exact Sciences
Classification: Uncertain significance for CFH-related condition. Last evaluated: 2022-10-27. Review status: criteria provided, single submitter. Criteria: ACMG Guidelines, 2015. Collection method: clinical testing. Allele origin: germline.
Comment: The CFH c.2931A>T variant is predicted to result in the amino acid substitution p.Lys977Asn. To our knowledge, this variant has not been reported in the literature or in a large population database, indicating this variant is rare. At this time, the clinical significance of this variant is uncertain due to the absence of conclusive functional and genetic evidence.

NM_000186.4(CFH):c.2931A>T (p.Lys977Asn)

Gene: CFH (complement factor H; plus strand). Cytogenetic location: 1q31.3.
Variant type: single nucleotide variant.
Coding change: c.2931A>T on transcript NM_000186.4 (MANE Select); coding-DNA position 2931, A replaced by T.
Protein change: p.Lys977Asn; replaces lysine 977 with asparagine.
Molecular consequence: missense variant.
Genome position (GRCh38, 1-based): chr1:196,740,767, A>T. VCF-style: chr1-196740767-A-T. GRCh37 (hg19) VCF-style: chr1-196709897-A-T.
Other names: short protein forms K977N.
Identifiers: ClinVar variation 2635338 (VCV002635338.1), dbSNP rs1652784897, ClinGen allele CA343981250.